The following is an entry in ClinVar:

NM_001127222.2(CACNA1A):c.5015G>C (p.Arg1672Pro)

Gene: CACNA1A (calcium voltage-gated channel subunit alpha1 A; minus strand). Cytogenetic location: 19p13.13.
Variant type: single nucleotide variant.
Coding change: c.5015G>C on transcript NM_001127222.2 (MANE Select); coding-DNA position 5015, G replaced by C.
Protein change: p.Arg1672Pro; replaces arginine 1672 with proline.
Molecular consequence: missense variant.
Genome position (GRCh38, 1-based): chr19:13,235,666, C>G on the plus strand (G>C on the coding strand, the complement: CACNA1A is on the minus strand). VCF-style: chr19-13235666-C-G. GRCh37 (hg19) VCF-style: chr19-13346480-C-G.
Other names: c.5033G>C, p.Arg1678Pro (NM_000068.4, NM_023035.3); c.5018G>C, p.Arg1673Pro (NM_001127221.2); c.5024G>C, p.Arg1675Pro (NM_001174080.2); short protein forms R1672P, R1673P, R1675P, R1678P.
Identifiers: ClinVar variation 375366 (VCV000375366.6), dbSNP rs1057519429, ClinGen allele CA16044236.

ClinVar aggregate classification (germline): Likely pathogenic. Review status: criteria provided, single submitter (1 of 4 stars). 4 submissions from 4 submitters: Likely pathogenic (1). 3 of the submissions do not count toward it. Last evaluated 2022-03-20.

Conditions:
CACNA1A-related disorder. Also called: CACNA1A-related condition.
Cerebellar ataxia. Identifiers: Orphanet 102002, MedGen C0007758, MONDO:0000437.
Intellectual disability. Also called: Intellectual developmental disorder; Intellectual functioning disability; intellectual disabilities. Identifiers: MedGen C3714756, MeSH D008607, MONDO:0001071, HP:0001249.
Cerebellar atrophy. Identifiers: MedGen C0740279, HP:0001272.
Migraine, familial hemiplegic, 1. Also called: MIGRAINE, FAMILIAL HEMIPLEGIC 1, WITH PROGRESSIVE CEREBELLAR ATAXIA. Identifiers: Orphanet 569, MedGen C1832884, MONDO:0020756, OMIM 141500, MONDO:0007714.
Developmental and epileptic encephalopathy, 52 (DEE52). Also called: Epileptic encephalopathy, early infantile, 52. Identifiers: MedGen C4479236, MONDO:0033361, OMIM 617350.
Spinocerebellar ataxia type 6 (SCA6). Identifiers: Orphanet 98758, MedGen C0752124, MONDO:0008457, OMIM 183086.
Episodic ataxia type 2 (EA2). Also called: ACETAZOLAMIDE-RESPONSIVE HEREDITARY PAROXYSMAL CEREBELLAR ATAXIA; ATAXIA, EPISODIC, WITH NYSTAGMUS; ATAXIA, FAMILIAL PAROXYSMAL; CEREBELLAR ATAXIA, PAROXYSMAL, ACETAZOLAMIDE-RESPONSIVE; CEREBELLOPATHY, HEREDITARY PAROXYSMAL; EPISODIC ATAXIA, NYSTAGMUS-ASSOCIATED. Identifiers: Orphanet 97, MedGen C1720416, MONDO:0007163, OMIM 108500.

Submissions (4):

Wendy Chung Laboratory, Boston Children's Hospital
Classification: Likely pathogenic for Developmental and epileptic encephalopathy, 52; Episodic ataxia type 2; Migraine, familial hemiplegic, 1; Spinocerebellar ataxia type 6. Last evaluated: 2022-03-20. Review status: criteria provided, single submitter. Criteria: ACMG Guidelines, 2015. Collection method: clinical testing. Allele origin: de novo. Affected: no.

PreventionGenetics, part of Exact Sciences
Classification: Likely pathogenic for CACNA1A-related condition. Last evaluated: 2024-08-10. Review status: no assertion criteria provided. Collection method: clinical testing. Allele origin: germline. Not counted in ClinVar's aggregate classification.
Comment: The CACNA1A c.5015G>C variant is predicted to result in the amino acid substitution p.Arg1672Pro. This variant has been confirmed to be de novo in two unrelated individuals with CACNA1A-related disorders (Eldomery et al. 2017. PubMed ID: 28327206; Luo et al. 2017. PubMed ID: 28742085). In vivo modeling of this variant showed alternation in channel activation consistent with a gain-of-function effect (Luo et al. 2017. PubMed ID: 28742085; Tyagi et al. 2019. PubMed ID: 31015257). This variant has not been reported in a large population database, indicating this variant is rare and it is classified as likely pathogenic/pathogenic in ClinVar. Given the evidence, we interpret this variant as likely pathogenic.

Undiagnosed Diseases Network, NIH
Classification: Likely pathogenic for Ataxia; Cerebellar atrophy; Intellectual disability. Last evaluated: 2015-12-19. Review status: no assertion criteria provided. Collection method: clinical testing. Allele origin: de novo. Inheritance: Autosomal dominant inheritance. Affected: yes. Observed: 1 variant allele, 1 heterozygote. Study: Undiagnosed Diseases Network (NIH), UDN. Not counted in ClinVar's aggregate classification.

Lupski Lab, Baylor-Hopkins CMG, Baylor College of Medicine
Classification: Pathogenic for Ataxia. Review status: no assertion criteria provided. Collection method: research. Allele origin: de novo. Inheritance: Autosomal dominant inheritance. Affected: yes. Not counted in ClinVar's aggregate classification.